The following is an entry in ClinVar:

NM_001561.6(TNFRSF9):c.695T>C (p.Val232Ala)

Gene: TNFRSF9 (TNF receptor superfamily member 9; minus strand). Cytogenetic location: 1p36.23.
Variant type: single nucleotide variant.
Coding change: c.695T>C on transcript NM_001561.6 (MANE Select); coding-DNA position 695, T replaced by C.
Protein change: p.Val232Ala; replaces valine 232 with alanine.
Molecular consequence: missense variant.
Genome position (GRCh38, 1-based): chr1:7,920,908, A>G on the plus strand (T>C on the coding strand, the complement: TNFRSF9 is on the minus strand). VCF-style: chr1-7920908-A-G. GRCh37 (hg19) VCF-style: chr1-7980968-A-G.
Other names: short protein forms V232A.
Identifiers: ClinVar variation 2416719 (VCV002416719.4), dbSNP rs141498457, ClinGen allele CA569121.

ClinVar aggregate classification (germline): Uncertain significance (1 of 4 stars; one submission).

Allele frequency attached by ClinVar (database versions not stated): ExAC 0.00002; gnomAD 0.00003; TOPMed 0.00003; ESP Exome Variant Server 0.00008; gnomAD exomes 0.00009.
gnomAD v4.1: 129 of 1,613,238 alleles (0.008%); highest among the groups gnomAD compares: Non-Finnish European, 0.01%; no homozygotes.

Submission:

Labcorp Genetics (formerly Invitae), Labcorp
Classification: Uncertain significance. Last evaluated: 2026-01-06. Review status: criteria provided, single submitter. Criteria: Invitae Variant Classification Sherloc (09022015). Collection method: clinical testing. Allele origin: germline.
Comment: This sequence change replaces valine, which is neutral and non-polar, with alanine, which is neutral and non-polar, at codon 232 of the TNFRSF9 protein (p.Val232Ala). This variant is present in population databases (rs141498457, gnomAD 0.006%). This variant has not been reported in the literature in individuals affected with TNFRSF9-related conditions. ClinVar contains an entry for this variant (Variation ID: 2416719). An algorithm developed to predict the effect of missense changes on protein structure and function outputs the following: PolyPhen-2: "Benign". The alanine amino acid residue is found in multiple mammalian species, which suggests that this missense change does not adversely affect protein function. In summary, the available evidence is currently insufficient to determine the role of this variant in disease. Therefore, it has been classified as a Variant of Uncertain Significance.